The following is an entry in ClinVar:

NM_000460.4(THPO):c.370G>A (p.Ala124Thr)

Gene: THPO (thrombopoietin; minus strand). Cytogenetic location: 3q27.1.
Variant type: single nucleotide variant.
Coding change: c.370G>A on transcript NM_000460.4 (MANE Select); coding-DNA position 370, G replaced by A.
Protein change: p.Ala124Thr; replaces alanine 124 with threonine.
Molecular consequence: missense variant.
Genome position (GRCh38, 1-based): chr3:184,373,441, C>T on the plus strand (G>A on the coding strand, the complement: THPO is on the minus strand). VCF-style: chr3-184373441-C-T. GRCh37 (hg19) VCF-style: chr3-184091229-C-T.
Other names: c.370G>A, p.Ala124Thr (NM_001177597.2, NM_001177598.2, NM_001289997.1 and 5 more transcripts); c.790G>A, p.Ala264Thr (NM_001290003.1); short protein forms A124T, A264T.
Identifiers: ClinVar variation 3688512 (VCV003688512.2).

ClinVar aggregate classification (germline): Uncertain significance (1 of 4 stars; one submission).

gnomAD v4.1: 4 of 1,614,022 alleles (0.00025%); highest among the groups gnomAD compares: East Asian, 0.0045%; no homozygotes.

Submission:

Labcorp Genetics (formerly Invitae), Labcorp
Classification: Uncertain significance. Last evaluated: 2024-05-10. Review status: criteria provided, single submitter. Criteria: Invitae Variant Classification Sherloc (09022015). Collection method: clinical testing. Allele origin: germline.
Comment: This sequence change replaces alanine, which is neutral and non-polar, with threonine, which is neutral and polar, at codon 124 of the THPO protein (p.Ala124Thr). This variant is present in population databases (no rsID available, gnomAD 0.006%). This variant has not been reported in the literature in individuals affected with THPO-related conditions. Advanced modeling of protein sequence and biophysical properties (such as structural, functional, and spatial information, amino acid conservation, physicochemical variation, residue mobility, and thermodynamic stability) performed at Invitae indicates that this missense variant is not expected to disrupt THPO protein function with a negative predictive value of 80%. In summary, the available evidence is currently insufficient to determine the role of this variant in disease. Therefore, it has been classified as a Variant of Uncertain Significance.